The following is an entry in ClinVar:

ClinVar aggregate classification (germline): Uncertain significance (1 of 4 stars; one submission).

Submission:

GeneDx
Classification: Uncertain significance. Last evaluated: 2024-05-17. Review status: criteria provided, single submitter. Criteria: GeneDx Variant Classification Process June 2021. Collection method: clinical testing. Allele origin: germline. Affected: yes.
Comment: Not observed at significant frequency in large population cohorts (gnomAD); In silico analysis supports that this missense variant has a deleterious effect on protein structure/function; Has not been previously published as pathogenic or benign to our knowledge

NM_001394998.1(TANC2):c.1994C>G (p.Pro665Arg)

Gene: TANC2 (tetratricopeptide repeat, ankyrin repeat and coiled-coil containing 2; plus strand). Cytogenetic location: 17q23.3.
Variant type: single nucleotide variant.
Coding change: c.1994C>G on transcript NM_001394998.1 (MANE Select); coding-DNA position 1994, C replaced by G.
Protein change: p.Pro665Arg; replaces proline 665 with arginine.
Molecular consequence: missense variant.
Genome position (GRCh38, 1-based): chr17:63,354,802, C>G. VCF-style: chr17-63354802-C-G. GRCh37 (hg19) VCF-style: chr17-61432163-C-G.
Other names: c.1772C>G, p.Pro591Arg (NM_001411076.1, NM_025185.4); short protein forms P591R, P665R.
Identifiers: ClinVar variation 3377992 (VCV003377992.1).
Genomic context (GRCh38, chr17:63,354,802, plus strand): 5'-TGAAGGTCTTTCTGTCTCTTTCTCTCTCTCCATCTTTTTAGGAAATTACCAAGCTGCTGC[C>G]TTTCCATAGGATTTTTTTGGATCGACTAGAAGAGAATGAAGCCATAGACCAGGACCTGCA-3'
Protein context (NP_001381927.1, residues 655-675): TSLQEITKLL[Pro665Arg]FHRIFLDRLE